The following is an entry in ClinVar:

NM_001146344.3(PRAMEF11):c.297A>G (p.Arg99=)

Gene: PRAMEF11 (PRAME family member 11; minus strand). Cytogenetic location: 1p36.21.
Variant type: single nucleotide variant.
Coding change: c.297A>G on transcript NM_001146344.3 (MANE Select); coding-DNA position 297, A replaced by G.
Protein change: p.Arg99=; no amino-acid change (arginine 99 retained).
Molecular consequence: synonymous variant.
Genome position (GRCh38, 1-based): chr1:12,827,827, T>C on the plus strand (A>G on the coding strand, the complement: PRAMEF11 is on the minus strand). VCF-style: chr1-12827827-T-C. GRCh37 (hg19) VCF-style: chr1-12887686-T-C.
Other names: NC_000001.10:g.12887686T>C.
Identifiers: ClinVar variation 3234145 (VCV003234145.21), dbSNP rs59802947, ClinGen allele CA607196.

ClinVar aggregate classification (germline): Likely benign (1 of 4 stars; one submission).

Allele frequency attached by ClinVar (database versions not stated): 1000 Genomes Project 0.00100; gnomAD 0.00100; 1000 Genomes Project 30x 0.00484; ExAC 0.00646.

Submissions (2):

CeGaT Center for Human Genetics Tuebingen
Classification: Likely benign. Last evaluated: 2025-10-01. Review status: criteria provided, single submitter. Criteria: CeGaT Center For Human Genetics Tuebingen Variant Classification Criteria Version 2. Collection method: clinical testing. Allele origin: germline. Affected: yes. Observed: 2 variant alleles.
Comment: PRAMEF11: BP4, BP7

Dr. Peter K. Rogan Lab, Western University
No classification provided (evidence only). Condition: Familial prostate cancer. Review status: no classification provided. Collection method: in vitro. Allele origin: not applicable. Functional consequence: retained intron. Not counted in ClinVar's aggregate classification.